The following is an entry in ClinVar:

NM_030928.4(CDT1):c.1337_1338delinsGCTTAGAA (p.Gln446delinsArgLeuGlu)

Gene: CDT1 (chromatin licensing and DNA replication factor 1; plus strand). Cytogenetic location: 16q24.3.
Variant type: Indel.
Coding change: c.1337_1338delinsGCTTAGAA on transcript NM_030928.4 (MANE Select); coding-DNA positions 1337 to 1338, AG replaced by GCTTAGAA.
Protein change: p.Gln446delinsArgLeuGlu.
Molecular consequence: inframe indel.
Genome position (GRCh38, 1-based): chr16:88,807,342-88,807,343, AG replaced by GCTTAGAA. VCF-style: chr16-88807342-AG-GCTTAGAA. GRCh37 (hg19) VCF-style: chr16-88873750-AG-GCTTAGAA.
Identifiers: ClinVar variation 3573508 (VCV003573508.1).

ClinVar aggregate classification (germline): Likely pathogenic (1 of 4 stars; one submission).

Submission:

GeneDx
Classification: Likely pathogenic. Last evaluated: 2024-07-16. Review status: criteria provided, single submitter. Criteria: GeneDx Variant Classification Process June 2021. Collection method: clinical testing. Allele origin: germline. Affected: yes.
Comment: Not observed at significant frequency in large population cohorts (gnomAD); In-frame deletion of 1 amino acid and insertion of 3 amino acids in a non-repeat region; In silico analysis supports a deleterious effect on protein structure/function; Has not been previously published as pathogenic or benign to our knowledge